The following is an entry in ClinVar:

ClinVar aggregate classification (germline): Uncertain significance. Review status: criteria provided, multiple submitters, no conflicts (2 of 4 stars). 2 submissions from 2 submitters: Uncertain significance (2). Last evaluated 2025-08-01.

Allele frequency attached by ClinVar (database versions not stated): TOPMed below 0.00001.

Submissions (2):

CeGaT Center for Human Genetics Tuebingen
Classification: Uncertain significance. Last evaluated: 2025-08-01. Review status: criteria provided, single submitter. Criteria: CeGaT Center For Human Genetics Tuebingen Variant Classification Criteria Version 2. Collection method: clinical testing. Allele origin: germline. Affected: yes. Observed: 1 variant allele.
Comment: ANXA11: PM2, PVS1:Moderate

Labcorp Genetics (formerly Invitae), Labcorp
Classification: Uncertain significance. Last evaluated: 2025-02-19. Review status: criteria provided, single submitter. Criteria: Invitae Variant Classification Sherloc (09022015). Collection method: clinical testing. Allele origin: germline.
Comment: This sequence change affects a donor splice site in intron 3 of the ANXA11 gene. It is expected to disrupt RNA splicing. Variants that disrupt the donor or acceptor splice site typically lead to a loss of protein function (PMID: 16199547), however the current clinical and genetic evidence is not sufficient to establish whether loss-of-function variants in ANXA11 cause disease. This variant is not present in population databases (gnomAD no frequency). This variant has not been reported in the literature in individuals affected with ANXA11-related conditions. ClinVar contains an entry for this variant (Variation ID: 3020068). Algorithms developed to predict the effect of sequence changes on RNA splicing suggest that this variant may disrupt the consensus splice site. In summary, the available evidence is currently insufficient to determine the role of this variant in disease. Therefore, it has been classified as a Variant of Uncertain Significance.

Literature cited by the submitters: PubMed 16199547 (cited by Labcorp Genetics (formerly Invitae), Labcorp).

NM_145868.2(ANXA11):c.171+1G>A

Gene: ANXA11 (annexin A11; minus strand). Cytogenetic location: 10q22.3.
Variant type: single nucleotide variant.
Coding change: c.171+1G>A on transcript NM_145868.2 (MANE Select); the canonical splice donor site of the intron after coding-DNA position 171, G replaced by A.
Molecular consequence: splice donor variant.
Genome position (GRCh38, 1-based): chr10:80,170,799, C>T on the plus strand (G>A on the coding strand, the complement: ANXA11 is on the minus strand). VCF-style: chr10-80170799-C-T. GRCh37 (hg19) VCF-style: chr10-81930555-C-T.
Other names: c.171+1G>A (NM_001278407.2, NM_001157.3, NM_145869.2 and 1 more transcripts); c.72+1G>A (NM_001278409.2).
Identifiers: ClinVar variation 3020068 (VCV003020068.11), dbSNP rs1845939680, ClinGen allele CA377368708.